The following is an entry in ClinVar:

ClinVar aggregate classification (germline): Uncertain significance (1 of 4 stars; one submission).

Submission:

GeneDx
Classification: Uncertain significance. Last evaluated: 2026-01-24. Review status: criteria provided, single submitter. Criteria: GeneDx Variant Classification Process June 2021. Collection method: clinical testing. Allele origin: germline.
Comment: Not observed at significant frequency in large population cohorts (gnomAD); In silico analysis supports that this missense variant has a deleterious effect on protein structure/function; Has not been previously published as pathogenic or benign to our knowledge

NM_001003699.4(RREB1):c.3734A>T (p.Lys1245Met)

Gene: RREB1 (ras responsive element binding protein 1; plus strand). Cytogenetic location: 6p24.3.
Variant type: single nucleotide variant.
Coding change: c.3734A>T on transcript NM_001003699.4 (MANE Select); coding-DNA position 3734, A replaced by T.
Protein change: p.Lys1245Met; replaces lysine 1245 with methionine.
Molecular consequence: missense variant.
Genome position (GRCh38, 1-based): chr6:7,231,833, A>T. VCF-style: chr6-7231833-A-T. GRCh37 (hg19) VCF-style: chr6-7232066-A-T.
Other names: c.3734A>T, p.Lys1245Met (NM_001003698.4, NM_001003700.2, NM_001168344.2); short protein forms K1245M.
Identifiers: ClinVar variation 4975634 (VCV004975634.1).